The following is an entry in ClinVar:

ClinVar aggregate classification (germline): Conflicting classifications of pathogenicity. Review status: criteria provided, conflicting classifications (1 of 4 stars). 4 submissions from 4 submitters: Uncertain significance (1); Benign (1); Likely benign (2). Last evaluated 2025-04-30.

Conditions:
Hereditary cancer-predisposing syndrome. Also called: Neoplastic Syndromes, Hereditary; Hereditary Cancer Syndrome; Tumor predisposition; Hereditary neoplastic syndrome. Identifiers: Orphanet 140162, MedGen C0027672, MeSH D009386, MONDO:0015356.
Tuberous sclerosis 1 (TSC1). Identifiers: Orphanet 805, MedGen C1854465, MONDO:0008612, OMIM 191100.

Allele frequency attached by ClinVar (database versions not stated): gnomAD exomes below 0.00001.
gnomAD v4.1: 1 of 1,614,186 alleles (0.000062%); highest among the groups gnomAD compares: Non-Finnish European, 0.000085%; no homozygotes.

Submissions (4):

Myriad Genetics, Inc.
Classification: Benign for Tuberous sclerosis 1. Last evaluated: 2025-04-30. Review status: criteria provided, single submitter. Criteria: Myriad Autosomal Dominant, Autosomal Recessive and X-Linked Classification Criteria (2023). Collection method: clinical testing. Allele origin: unknown.
Comment: This variant is considered benign. This variant is a silent/synonymous amino acid change and it is not expected to impact splicing.

Ambry Genetics
Classification: Likely benign for Hereditary cancer-predisposing syndrome. Last evaluated: 2025-01-02. Review status: criteria provided, single submitter. Criteria: Ambry Variant Classification Scheme 2023. Collection method: clinical testing. Allele origin: germline.

Quest Diagnostics Nichols Institute San Juan Capistrano
Classification: Uncertain significance. Last evaluated: 2023-11-24. Review status: criteria provided, single submitter. Criteria: Quest Diagnostics criteria. Collection method: clinical testing. Allele origin: unknown.

Labcorp Genetics (formerly Invitae), Labcorp
Classification: Likely benign for Tuberous sclerosis 1. Last evaluated: 2023-06-04. Review status: criteria provided, single submitter. Criteria: Invitae Variant Classification Sherloc (09022015). Collection method: clinical testing. Allele origin: germline.

NM_000368.5(TSC1):c.3471T>C (p.Asn1157=)

Gene: TSC1 (TSC complex subunit 1; minus strand). Cytogenetic location: 9q34.13.
Variant type: single nucleotide variant.
Coding change: c.3471T>C on transcript NM_000368.5 (MANE Select); coding-DNA position 3471, T replaced by C.
Protein change: p.Asn1157=; no amino-acid change (asparagine 1157 retained).
Molecular consequence: synonymous variant. On other transcripts: non-coding transcript variant (5).
Genome position (GRCh38, 1-based): chr9:132,896,259, A>G on the plus strand (T>C on the coding strand, the complement: TSC1 is on the minus strand). VCF-style: chr9-132896259-A-G. GRCh37 (hg19) VCF-style: chr9-135771646-A-G.
Other names: c.3468T>C, p.Asn1156= (NM_001162426.2, NM_001406597.1, NM_001406598.1 and 2 more transcripts); c.3318T>C, p.Asn1106= (NM_001162427.2, NM_001406610.1); c.3108T>C, p.Asn1036= (NM_001362177.2, NM_001406614.1, NM_001406615.1 and 4 more transcripts); c.3471T>C, p.Asn1157= (NM_001406592.1, NM_001406593.1, NM_001406594.1 and 2 more transcripts); c.3456T>C, p.Asn1152= (NM_001406601.1, NM_001406602.1); c.3453T>C, p.Asn1151= (NM_001406603.1, NM_001406604.1); c.3429T>C, p.Asn1143= (NM_001406605.1, NM_001406606.1, NM_001406607.1); c.3426T>C, p.Asn1142= (NM_001406608.1, NM_001406609.1); and 8 more.
Identifiers: ClinVar variation 2026304 (VCV002026304.7), dbSNP rs2538420158, ClinGen allele CA467812850.